The following is an entry in ClinVar:

ClinVar aggregate classification (germline): Uncertain significance. Review status: criteria provided, multiple submitters, no conflicts (2 of 4 stars). 2 submissions from 2 submitters: Uncertain significance (2). Last evaluated 2022-04-12.

Conditions:
Progressive myoclonic epilepsy. Also called: Familial progressive myoclonic epilepsy; Myoclonic Epilepsies, Progressive; Myoclonus epilepsy; Progressive myoclonus epilepsy. Identifiers: Orphanet 308, Orphanet 98261, MedGen C0751778, MONDO:0020074.
Lafora disease. Also called: Epilepsy progressive myoclonic 2. Identifiers: Orphanet 501, MedGen C0751783, MONDO:0009697.

Allele frequency attached by ClinVar (database versions not stated): gnomAD exomes below 0.00001; gnomAD 0.00001; TOPMed 0.00002.
gnomAD v4.1: 4 of 1,613,962 alleles (0.00025%); highest among the groups gnomAD compares: African/African-American, 0.0053%; no homozygotes.

Submissions (2):

Labcorp Genetics (formerly Invitae), Labcorp
Classification: Uncertain significance for Progressive myoclonic epilepsy. Last evaluated: 2022-04-12. Review status: criteria provided, single submitter. Criteria: Invitae Variant Classification Sherloc (09022015). Collection method: clinical testing. Allele origin: germline.
Comment: ClinVar contains an entry for this variant (Variation ID: 626099). This sequence change replaces histidine, which is basic and polar, with arginine, which is basic and polar, at codon 175 of the EPM2A protein (p.His175Arg). This variant is present in population databases (no rsID available, gnomAD 0.007%). This variant has not been reported in the literature in individuals affected with EPM2A-related conditions. Algorithms developed to predict the effect of missense changes on protein structure and function (SIFT, PolyPhen-2, Align-GVGD) all suggest that this variant is likely to be disruptive. In summary, the available evidence is currently insufficient to determine the role of this variant in disease. Therefore, it has been classified as a Variant of Uncertain Significance.

Center for Genomics, Ann and Robert H. Lurie Children's Hospital of Chicago
Classification: Uncertain significance for Myoclonic epilepsy of Lafora 1. Last evaluated: 2021-03-30. Review status: criteria provided, single submitter. Criteria: ACMG Guidelines, 2015. Collection method: clinical testing. Allele origin: germline.
Comment: EPM2A NM_005670.3 exon 3 p.His175Arg (c.524A>G): This variant has not been reported in the literature but is present in 0.006% (1/15304) of African alleles in the Genome Aggregation Database. Evolutionary conservation and computational predictive tools suggest that this variant may impact the protein. In summary, data on this variant is insufficient for disease classification. Therefore, the clinical significance of this variant is uncertain.

NM_005670.4(EPM2A):c.524A>G (p.His175Arg)

Gene: EPM2A (EPM2A glucan phosphatase, laforin; minus strand). Cytogenetic location: 6q24.3.
Variant type: single nucleotide variant.
Coding change: c.524A>G on transcript NM_005670.4 (MANE Select); coding-DNA position 524, A replaced by G.
Protein change: p.His175Arg; replaces histidine 175 with arginine.
Molecular consequence: missense variant. On other transcripts: intron variant (1).
Genome position (GRCh38, 1-based): chr6:145,635,439, T>C on the plus strand (A>G on the coding strand, the complement: EPM2A is on the minus strand). VCF-style: chr6-145635439-T-C. GRCh37 (hg19) VCF-style: chr6-145956575-T-C.
Other names: c.62A>G, p.His21Arg (NM_001368129.2, NM_001368132.1); c.524A>G, p.His175Arg (NM_001018041.2, NM_001368130.1); c.110A>G, p.His37Arg (NM_001360064.2, NM_001360071.2, NM_001368131.1); c.477-7746A>G (NM_001360057.2); short protein forms H175R, H37R, H21R.
Identifiers: ClinVar variation 626099 (VCV000626099.9), dbSNP rs1264840627, ClinGen allele CA366191501.